The following is an entry in ClinVar:

NM_001385079.1(PDE10A):c.1800T>A (p.Phe600Leu)

Gene: PDE10A (phosphodiesterase 10A; minus strand). Cytogenetic location: 6q27.
Variant type: single nucleotide variant.
Coding change: c.1800T>A on transcript NM_001385079.1 (MANE Select); coding-DNA position 1800, T replaced by A.
Protein change: p.Phe600Leu; replaces phenylalanine 600 with leucine.
Molecular consequence: missense variant.
Genome position (GRCh38, 1-based): chr6:165,416,278, A>T on the plus strand (T>A on the coding strand, the complement: PDE10A is on the minus strand). VCF-style: chr6-165416278-A-T. GRCh37 (hg19) VCF-style: chr6-165829766-A-T.
Other names: c.1002T>A, p.Phe334Leu (NM_001130690.3); c.972T>A, p.Phe324Leu (NM_006661.4); short protein forms F324L, F334L, F600L.
Identifiers: ClinVar variation 5040436 (VCV005040436.1).
Genomic context (GRCh38, chr6:165,416,278, plus strand): 5'-TGGAATGTTCAGGACTTCCCCTGTTCTTGCTACTTGGCCAGCAATTCCTTTCTCAATTGA[A>T]AATCTGCATATGTAAAAGAGAAGGACATGCTAATTAAAATATGGACTCTGTAGAATAATT-3'
Protein context (NP_001372008.1, residues 590-610): PVFKKTKEIR[Phe600Leu]SIEKGIAGQV

ClinVar aggregate classification (germline): Likely pathogenic (1 of 4 stars; one submission).

Submission:

CeGaT Center for Human Genetics Tuebingen
Classification: Likely pathogenic. Last evaluated: 2026-08-01. Review status: criteria provided, single submitter. Criteria: CeGaT Center For Human Genetics Tuebingen Variant Classification Criteria Version 2. Collection method: clinical testing. Allele origin: germline. Affected: yes. Observed: 1 variant allele.
Comment: PDE10A: PS1, PM2, PM5, PP2